The following is an entry in ClinVar:

NM_001128840.3(CACNA1D):c.440T>A (p.Ile147Asn)

Gene: CACNA1D (calcium voltage-gated channel subunit alpha1 D; plus strand). Cytogenetic location: 3p21.1.
Variant type: single nucleotide variant.
Coding change: c.440T>A on transcript NM_001128840.3 (MANE Select); coding-DNA position 440, T replaced by A.
Protein change: p.Ile147Asn; replaces isoleucine 147 with asparagine.
Molecular consequence: missense variant.
Genome position (GRCh38, 1-based): chr3:53,501,677, T>A. VCF-style: chr3-53501677-T-A. GRCh37 (hg19) VCF-style: chr3-53535704-T-A.
Other names: c.440T>A, p.Ile147Asn (NM_000720.4, NM_001128839.3); short protein forms I147N.
Identifiers: ClinVar variation 3647399 (VCV003647399.2).

ClinVar aggregate classification (germline): Uncertain significance (1 of 4 stars; one submission).

Submission:

Labcorp Genetics (formerly Invitae), Labcorp
Classification: Uncertain significance. Last evaluated: 2024-03-24. Review status: criteria provided, single submitter. Criteria: Invitae Variant Classification Sherloc (09022015). Collection method: clinical testing. Allele origin: germline.
Comment: This sequence change replaces isoleucine, which is neutral and non-polar, with asparagine, which is neutral and polar, at codon 147 of the CACNA1D protein (p.Ile147Asn). This variant is not present in population databases (gnomAD no frequency). This variant has not been reported in the literature in individuals affected with CACNA1D-related conditions. Advanced modeling of protein sequence and biophysical properties (such as structural, functional, and spatial information, amino acid conservation, physicochemical variation, residue mobility, and thermodynamic stability) performed at Invitae indicates that this missense variant is not expected to disrupt CACNA1D protein function with a negative predictive value of 80%. In summary, the available evidence is currently insufficient to determine the role of this variant in disease. Therefore, it has been classified as a Variant of Uncertain Significance.